The following is an entry in ClinVar:

ClinVar aggregate classification (germline): Likely benign. Review status: criteria provided, multiple submitters, no conflicts (2 of 4 stars). 2 submissions from 2 submitters: Likely benign (2). Last evaluated 2025-02-24.

Conditions:
Hereditary breast ovarian cancer syndrome. Also called: Hereditary breast and ovarian cancer syndrome (HBOC); Breast and ovarian cancer; BRCA1- and BRCA2-Associated Hereditary Breast and Ovarian Cancer; Hereditary breast and ovarian cancer syndrome; Hereditary breast and/or ovarian cancer syndrome; Hereditary breast and ovarian cancer. Identifiers: Orphanet 145, MedGen C0677776, MeSH D061325, MONDO:0003582. Disease mechanism: loss of function.

Submissions (2):

Women's Health and Genetics/Laboratory Corporation of America, LabCorp
Classification: Likely benign. Last evaluated: 2025-02-24. Review status: criteria provided, single submitter. Criteria: LabCorp Variant Classification Summary - May 2015. Collection method: clinical testing. Allele origin: germline.
Comment: Variant summary: BRCA2 c.8633-16C>T alters a non-conserved nucleotide located at a position not widely known to affect splicing. Consensus agreement among computation tools predict no significant impact on normal splicing. However, these predictions have yet to be confirmed by functional studies. The variant was absent in 250688 control chromosomes. The available data on variant occurrences in the general population are insufficient to allow any conclusion about variant significance. To our knowledge, no occurrence of c.8633-16C>T in individuals affected with Hereditary Breast And Ovarian Cancer Syndrome and no experimental evidence demonstrating its impact on protein function have been reported. ClinVar contains an entry for this variant (Variation ID: 1543741). Based on the evidence outlined above, the variant was classified as likely benign.

Labcorp Genetics (formerly Invitae), Labcorp
Classification: Likely benign for Hereditary breast ovarian cancer syndrome. Last evaluated: 2023-10-24. Review status: criteria provided, single submitter. Criteria: Invitae Variant Classification Sherloc (09022015). Collection method: clinical testing. Allele origin: germline.

NM_000059.4(BRCA2):c.8633-16C>T

Gene: BRCA2 (BRCA2 DNA repair associated; plus strand). Cytogenetic location: 13q13.1.
Variant type: single nucleotide variant.
Coding change: c.8633-16C>T on transcript NM_000059.4 (MANE Select); 16 bases into the intron before coding-DNA position 8633, C replaced by T.
Molecular consequence: intron variant.
Genome position (GRCh38, 1-based): chr13:32,376,654, C>T. VCF-style: chr13-32376654-C-T. GRCh37 (hg19) VCF-style: chr13-32950791-C-T.
Identifiers: ClinVar variation 1543741 (VCV001543741.9), dbSNP rs81002818, ClinGen allele CA2082827894.